The following is an entry in ClinVar:

NM_000436.4(OXCT1):c.199T>C (p.Cys67Arg)

Gene: OXCT1 (3-oxoacid CoA-transferase 1; minus strand). Cytogenetic location: 5p13.1.
Variant type: single nucleotide variant.
Coding change: c.199T>C on transcript NM_000436.4 (MANE Select); coding-DNA position 199, T replaced by C.
Protein change: p.Cys67Arg; replaces cysteine 67 with arginine.
Molecular consequence: missense variant. On other transcripts: non-coding transcript variant (1).
Genome position (GRCh38, 1-based): chr5:41,861,393, A>G on the plus strand (T>C on the coding strand, the complement: OXCT1 is on the minus strand). VCF-style: chr5-41861393-A-G. GRCh37 (hg19) VCF-style: chr5-41861495-A-G.
Other names: c.199T>C, p.Cys67Arg (NM_001364299.2, NM_001364301.2, NM_001364302.2); c.220T>C, p.Cys74Arg (NM_001364300.2); short protein forms C67R, C74R.
Identifiers: ClinVar variation 1304662 (VCV001304662.2), dbSNP rs2112471618, ClinGen allele CA359627873.

ClinVar aggregate classification (germline): Uncertain significance (1 of 4 stars; one submission).

Submission:

GeneDx
Classification: Uncertain significance. Last evaluated: 2019-04-12. Review status: criteria provided, single submitter. Criteria: GeneDx Variant Classification Process June 2021. Collection method: clinical testing. Allele origin: germline. Affected: yes.
Comment: Not observed in large population cohorts (Lek et al., 2016); In silico analysis, which includes protein predictors and evolutionary conservation, supports a deleterious effect; Has not been previously published as pathogenic or benign to our knowledge